The following is an entry in ClinVar:

NM_000069.3(CACNA1S):c.4420G>A (p.Ala1474Thr)

Gene: CACNA1S (calcium voltage-gated channel subunit alpha1 S; minus strand). Cytogenetic location: 1q32.1.
Variant type: single nucleotide variant.
Coding change: c.4420G>A on transcript NM_000069.3 (MANE Select); coding-DNA position 4420, G replaced by A.
Protein change: p.Ala1474Thr; replaces alanine 1474 with threonine.
Molecular consequence: missense variant.
Genome position (GRCh38, 1-based): chr1:201,048,603, C>T on the plus strand (G>A on the coding strand, the complement: CACNA1S is on the minus strand). VCF-style: chr1-201048603-C-T. GRCh37 (hg19) VCF-style: chr1-201017731-C-T.
Other names: short protein forms A1474T.
Identifiers: ClinVar variation 2933928 (VCV002933928.3), dbSNP rs2464435412, ClinGen allele CA344144557.

ClinVar aggregate classification (germline): Uncertain significance (1 of 4 stars; one submission).

Conditions:
Malignant hyperthermia, susceptibility to, 5 (MHS5). Also called: CACNA1S-Related Malignant Hyperthermia Susceptibility. Identifiers: Orphanet 423, MedGen C1866077, MONDO:0011163, OMIM 601887.
Hypokalemic periodic paralysis, type 1. Also called: HypoPP; Hypokalemic Periodic Paralysis Type 1 (AD). Identifiers: Orphanet 681, MedGen C3714580, MONDO:0042979, OMIM 170400.

Allele frequency attached by ClinVar (database versions not stated): gnomAD exomes below 0.00001.
gnomAD v4.1: 1 of 1,613,834 alleles (0.000062%); highest among the groups gnomAD compares: Non-Finnish European, 0.000085%; no homozygotes.

Submission:

Labcorp Genetics (formerly Invitae), Labcorp
Classification: Uncertain significance for Hypokalemic periodic paralysis, type 1; Malignant hyperthermia, susceptibility to, 5. Last evaluated: 2023-07-26. Review status: criteria provided, single submitter. Criteria: Invitae Variant Classification Sherloc (09022015). Collection method: clinical testing. Allele origin: germline.
Comment: In summary, the available evidence is currently insufficient to determine the role of this variant in disease. Therefore, it has been classified as a Variant of Uncertain Significance. Advanced modeling of protein sequence and biophysical properties (such as structural, functional, and spatial information, amino acid conservation, physicochemical variation, residue mobility, and thermodynamic stability) performed at Invitae indicates that this missense variant is not expected to disrupt CACNA1S protein function. This variant has not been reported in the literature in individuals affected with CACNA1S-related conditions. This variant is not present in population databases (gnomAD no frequency). This sequence change replaces alanine, which is neutral and non-polar, with threonine, which is neutral and polar, at codon 1474 of the CACNA1S protein (p.Ala1474Thr).